The following is an entry in ClinVar:

NM_001099271.2(POC5):c.674T>A (p.Ile225Asn)

Gene: POC5 (POC5 centriolar protein; minus strand). Cytogenetic location: 5q13.3.
Variant type: single nucleotide variant.
Coding change: c.674T>A on transcript NM_001099271.2 (MANE Select); coding-DNA position 674, T replaced by A.
Protein change: p.Ile225Asn; replaces isoleucine 225 with asparagine.
Molecular consequence: missense variant.
Genome position (GRCh38, 1-based): chr5:75,694,671, A>T on the plus strand (T>A on the coding strand, the complement: POC5 is on the minus strand). VCF-style: chr5-75694671-A-T. GRCh37 (hg19) VCF-style: chr5-74990496-A-T.
Other names: c.674T>A (NM_001099271.1); c.599T>A, p.Ile200Asn (NM_152408.3); short protein forms I200N, I225N.
Identifiers: ClinVar variation 2768560 (VCV002768560.4), dbSNP rs773455229, ClinGen allele CA3310524.

ClinVar aggregate classification (germline): Uncertain significance. Review status: criteria provided, multiple submitters, no conflicts (2 of 4 stars). 2 submissions from 2 submitters: Uncertain significance (2). Last evaluated 2025-10-07.

gnomAD v4.1: 19 of 1,560,086 alleles (0.0012%); highest among the groups gnomAD compares: Admixed American, 0.0041%; no homozygotes.

Submissions (2):

Ambry Genetics
Classification: Uncertain significance. Last evaluated: 2025-10-07. Review status: criteria provided, single submitter. Criteria: Ambry Variant Classification Scheme 2023. Collection method: clinical testing. Allele origin: germline.

Labcorp Genetics (formerly Invitae), Labcorp
Classification: Uncertain significance. Last evaluated: 2023-12-26. Review status: criteria provided, single submitter. Criteria: Invitae Variant Classification Sherloc (09022015). Collection method: clinical testing. Allele origin: germline.
Comment: This sequence change replaces isoleucine, which is neutral and non-polar, with asparagine, which is neutral and polar, at codon 225 of the POC5 protein (p.Ile225Asn). This variant is present in population databases (rs773455229, gnomAD 0.004%). This variant has not been reported in the literature in individuals affected with POC5-related conditions. An algorithm developed to predict the effect of missense changes on protein structure and function (PolyPhen-2) suggests that this variant is likely to be tolerated. In summary, the available evidence is currently insufficient to determine the role of this variant in disease. Therefore, it has been classified as a Variant of Uncertain Significance.